The following is an entry in ClinVar:

ClinVar aggregate classification (germline): Uncertain significance (1 of 4 stars; one submission).

Conditions:
Short-rib thoracic dysplasia 10 with or without polydactyly (SRTD10). Identifiers: Orphanet 474, MedGen C3810175, MONDO:0014284, OMIM 615630.
Retinitis pigmentosa 71 (RP71). Identifiers: Orphanet 791, MedGen C4225342, MONDO:0014618, OMIM 616394.

Allele frequency attached by ClinVar (database versions not stated): gnomAD exomes below 0.00001.

Submission:

Labcorp Genetics (formerly Invitae), Labcorp
Classification: Uncertain significance for Retinitis pigmentosa 71; Short-rib thoracic dysplasia 10 with or without polydactyly. Last evaluated: 2022-07-19. Review status: criteria provided, single submitter. Criteria: Invitae Variant Classification Sherloc (09022015). Collection method: clinical testing. Allele origin: germline.
Comment: This variant has not been reported in the literature in individuals affected with IFT172-related conditions. In summary, the available evidence is currently insufficient to determine the role of this variant in disease. Therefore, it has been classified as a Variant of Uncertain Significance. Algorithms developed to predict the effect of sequence changes on RNA splicing suggest that this variant may create or strengthen a splice site. Algorithms developed to predict the effect of missense changes on protein structure and function are either unavailable or do not agree on the potential impact of this missense change (SIFT: "Deleterious"; PolyPhen-2: "Possibly Damaging"; Align-GVGD: "Class C0"). This variant is not present in population databases (gnomAD no frequency). This sequence change replaces glutamic acid, which is acidic and polar, with valine, which is neutral and non-polar, at codon 645 of the IFT172 protein (p.Glu645Val).

NM_015662.3(IFT172):c.1934A>T (p.Glu645Val)

Gene: IFT172 (intraflagellar transport 172; minus strand). Cytogenetic location: 2p23.3.
Variant type: single nucleotide variant.
Coding change: c.1934A>T on transcript NM_015662.3 (MANE Select); coding-DNA position 1934, A replaced by T.
Protein change: p.Glu645Val; replaces glutamic acid 645 with valine.
Molecular consequence: missense variant.
Genome position (GRCh38, 1-based): chr2:27,465,414, T>A on the plus strand (A>T on the coding strand, the complement: IFT172 is on the minus strand). VCF-style: chr2-27465414-T-A. GRCh37 (hg19) VCF-style: chr2-27688281-T-A.
Other names: c.1868A>T, p.Glu623Val (NM_001410739.1); short protein forms E645V, E623V.
Identifiers: ClinVar variation 2040600 (VCV002040600.4), dbSNP rs2465902383, ClinGen allele CA346386067.
Genomic context (GRCh38, chr2:27,465,414, plus strand): 5'-CTCATGTGATTATCCCTCCTAGCTGCGTGGCACCTCTGTTCTACATGTCTACCTCACCTC[T>A]CCGCAATGTGTAGTTGCCTTGCCTCTAGTGCCAGTTTACTCAAGGTTTTCCACATTGCCT-3'
Protein context (NP_056477.1, residues 635-655): ALEARQLHIA[Glu645Val]RCFSALGQVA